The following is an entry in ClinVar:

NM_001040616.3(LINS1):c.1851G>T (p.Leu617=)

Gene: LINS1 (lines homolog 1; minus strand). Cytogenetic location: 15q26.3.
Variant type: single nucleotide variant.
Coding change: c.1851G>T on transcript NM_001040616.3 (MANE Select); coding-DNA position 1851, G replaced by T.
Protein change: p.Leu617=; no amino-acid change (leucine 617 retained).
Molecular consequence: synonymous variant. On other transcripts: non-coding transcript variant (3).
Genome position (GRCh38, 1-based): chr15:100,569,661, C>A on the plus strand (G>T on the coding strand, the complement: LINS1 is on the minus strand). VCF-style: chr15-100569661-C-A. GRCh37 (hg19) VCF-style: chr15-101109866-C-A.
Other names: c.1104G>T, p.Leu368= (NM_001352507.2); c.1698G>T, p.Leu566= (NM_001352508.2).
Identifiers: ClinVar variation 435758 (VCV000435758.38), dbSNP rs146405261, ClinGen allele CA7759332.

ClinVar aggregate classification (germline): Likely benign. Review status: criteria provided, multiple submitters, no conflicts (2 of 4 stars). 6 submissions from 6 submitters: Likely benign (6). Last evaluated 2026-07-01.

Conditions:
Inborn genetic diseases. Identifiers: MedGen C0950123, MeSH D030342.

Allele frequency attached by ClinVar (database versions not stated): gnomAD 0.00054 and 0.00060; TOPMed 0.00054; 1000 Genomes Project 0.00040; ESP Exome Variant Server 0.00046; 1000 Genomes Project 30x 0.00047; gnomAD exomes 0.00090; ExAC 0.00099.
gnomAD v4.1: 1,249 of 1,613,400 alleles (0.077%); highest among the groups gnomAD compares: Middle Eastern, 0.25%; 6 homozygotes.

Submissions (6):

CeGaT Center for Human Genetics Tuebingen
Classification: Likely benign. Last evaluated: 2026-07-01. Review status: criteria provided, single submitter. Criteria: CeGaT Center For Human Genetics Tuebingen Variant Classification Criteria Version 2. Collection method: clinical testing. Allele origin: germline. Affected: yes. Observed: 8 variant alleles.
Comment: LINS1: BP4, BP7

Blueprint Genetics
Classification: Likely benign. Last evaluated: 2024-11-26. Review status: criteria provided, single submitter. Criteria: ACMG Guidelines, 2015. Collection method: clinical testing. Allele origin: germline.

Labcorp Genetics (formerly Invitae), Labcorp
Classification: Likely benign. Last evaluated: 2018-07-31. Review status: criteria provided, single submitter. Criteria: Invitae Variant Classification Sherloc (09022015). Collection method: clinical testing. Allele origin: germline.

Genetic Services Laboratory, University of Chicago
Classification: Likely benign. Last evaluated: 2017-04-26. Review status: criteria provided, single submitter. Criteria: ACMG Guidelines, 2015. Collection method: clinical testing. Allele origin: germline. Affected: no.

Ambry Genetics
Classification: Likely benign for Inborn genetic diseases. Last evaluated: 2016-06-28. Review status: criteria provided, single submitter. Criteria: Ambry Variant Classification Scheme 2023. Collection method: clinical testing. Allele origin: germline.

Breakthrough Genomics
Classification: Likely benign. Review status: criteria provided, single submitter. Criteria: ACMG Guidelines, 2015. Collection method: not provided. Allele origin: germline. Inheritance: Autosomal recessive inheritance. Affected: yes.